The following is an entry in ClinVar:

ClinVar aggregate classification (germline): Uncertain significance (1 of 4 stars; one submission).

Allele frequency attached by ClinVar (database versions not stated): 1000 Genomes Project 0.00060; 1000 Genomes Project 30x 0.00062.
gnomAD v4.1: 40 of 1,275,560 alleles (0.0031%); highest among the groups gnomAD compares: African/African-American, 0.057%; no homozygotes.

Submission:

Labcorp Genetics (formerly Invitae), Labcorp
Classification: Uncertain significance. Last evaluated: 2022-06-07. Review status: criteria provided, single submitter. Criteria: Invitae Variant Classification Sherloc (09022015). Collection method: clinical testing. Allele origin: germline.
Comment: This sequence change replaces proline, which is neutral and non-polar, with histidine, which is basic and polar, at codon 24 of the COQ9 protein (p.Pro24His). This variant is present in population databases (rs578214371, gnomAD 0.08%). This variant has not been reported in the literature in individuals affected with COQ9-related conditions. Algorithms developed to predict the effect of missense changes on protein structure and function are either unavailable or do not agree on the potential impact of this missense change (SIFT: "Tolerated"; PolyPhen-2: "Possibly Damaging"; Align-GVGD: "Class C0"). In summary, the available evidence is currently insufficient to determine the role of this variant in disease. Therefore, it has been classified as a Variant of Uncertain Significance.

NM_020312.4(COQ9):c.71C>A (p.Pro24His)

Genes: COQ9 (coenzyme Q9; plus strand), LOC112469007 (Sharpr-MPRA regulatory region 5957; plus strand). Cytogenetic location: 16q21.
Variant type: single nucleotide variant.
Coding change: c.71C>A on transcript NM_020312.4 (MANE Select); coding-DNA position 71, C replaced by A.
Protein change: p.Pro24His; replaces proline 24 with histidine.
Molecular consequence: missense variant.
Genome position (GRCh38, 1-based): chr16:57,447,576, C>A. VCF-style: chr16-57447576-C-A. GRCh37 (hg19) VCF-style: chr16-57481488-C-A.
Other names: short protein forms P24H.
Identifiers: ClinVar variation 2002912 (VCV002002912.4), dbSNP rs578214371, ClinGen allele CA8076071.